The following is an entry in ClinVar:

ClinVar aggregate classification (germline): Uncertain significance (1 of 4 stars; one submission).

Submission:

GeneDx
Classification: Uncertain significance. Last evaluated: 2017-06-15. Review status: criteria provided, single submitter. Criteria: GeneDx Variant Classification (06012015). Collection method: clinical testing. Allele origin: germline. Affected: yes.
Comment: The c.11044_11045delGT variant has not been published as pathogenic or been reported as benign to our knowledge. This variant causes a shift in reading frame starting at codon valine 3682, changing it to a phenylalanine, and creating a premature stop codon at position 4 of the new reading frame, denoted p.V3682FfsX4. This variant is expected to result in either an abnormal, truncated protein product or loss of protein from this allele through nonsense-mediated mRNA decay. Nevertheless, the c.11044_11045delGT variant resides in an alternate transcript where the reference sequence is the inferred complete model of the TTN gene that includes all possible supported in-frame coding exons, and where the clinical consquence of genetic variation is not well-defined.

NM_001267550.2(TTN):c.11044_11045del (p.Val3682fs)

Gene: TTN (titin; minus strand). Cytogenetic location: 2q31.2.
Variant type: Microsatellite.
Coding change: c.11044_11045del on transcript NM_001267550.2 (MANE Select); coding-DNA positions 11044 to 11045, 2 bases deleted (GT; older notation c.11044_11045delGT).
Protein change: p.Val3682fs; shifts the reading frame from valine 3682.
Molecular consequence: frameshift variant. On other transcripts: intron variant (5).
Genome position (GRCh38, 1-based): chr2:178,756,431-178,756,432, AC deleted on the plus strand (GT on the coding strand, the reverse complement: TTN is on the minus strand); deleting any 2 consecutive bases within chr2:178,756,431-178,756,435 gives the same sequence; the c. name uses the placement nearest the transcript's 3' end. VCF-style (leftmost placement, unchanged base first): chr2-178756430-AAC-A. GRCh37 (hg19) VCF-style: chr2-179621157-AAC-A.
Other names: c.10303+2552_10303+2553delGT (NM_001256850.1); c.10531_10532del, p.Val3511fs (NM_133437.4); c.10165+2552_10165+2553del (NM_003319.4); c.10540+1110_10540+1111del (NM_133432.3); c.10303+2552_10303+2553del (NM_133378.4, NM_001256850.1, NM_133379.5); short protein forms V3682fs, V3511fs.
Identifiers: ClinVar variation 202506 (VCV000202506.2), dbSNP rs794729374, ClinGen allele CA309474.
Genomic context (GRCh38, chr2:178,756,430, plus strand): 5'-TTCCTCTATCTTTGCACCTTCGTGAGTCCAGGTTACATCAATGAAAGAATCATCTTTTAA[AAC>A]ACAGAGGAATTGAGCCGTGTCACCGCACTTTACAGTGACGTCCTGAAGATGCAGGAAAAT-3'